The following is an entry in ClinVar:

NM_001267550.2(TTN):c.57585C>T (p.Asn19195=)

Genes: TTN (titin; minus strand), TTN-AS1 (TTN antisense RNA 1; plus strand). Cytogenetic location: 2q31.2.
Variant type: single nucleotide variant.
Coding change: c.57585C>T on transcript NM_001267550.2 (MANE Select); coding-DNA position 57585, C replaced by T.
Protein change: p.Asn19195=; no amino-acid change (asparagine 19195 retained).
Molecular consequence: synonymous variant.
Genome position (GRCh38, 1-based): chr2:178,595,769, G>A on the plus strand (C>T on the coding strand, the complement: TTN is on the minus strand). VCF-style: chr2-178595769-G-A. GRCh37 (hg19) VCF-style: chr2-179460496-G-A.
Other names: c.52662C>T, p.Asn17554= (NM_001256850.1); c.30390C>T, p.Asn10130= (NM_003319.4); c.49881C>T, p.Asn16627= (NM_133378.4); c.30765C>T, p.Asn10255= (NM_133432.3); c.30966C>T, p.Asn10322= (NM_133437.4).
Identifiers: ClinVar variation 389906 (VCV000389906.3), dbSNP rs1057523577, ClinGen allele CA16604005.

ClinVar aggregate classification (germline): Likely benign. Review status: criteria provided, multiple submitters, no conflicts (2 of 4 stars). 2 submissions from 2 submitters: Likely benign (2). Last evaluated 2017-11-29.

Conditions:
Cardiomyopathy (CMYO). Also called: Cardiomyopathies. Identifiers: Orphanet 167848, MedGen C0878544, MONDO:0004994, HP:0001638. Inheritance: Various modes of inheritance.

Allele frequency attached by ClinVar (database versions not stated): gnomAD exomes below 0.00001.
gnomAD v4.1: 1 of 1,608,332 alleles (0.000062%); highest among the groups gnomAD compares: Non-Finnish European, 0.000085%; no homozygotes.

Submissions (2):

CHEO Genetics Diagnostic Laboratory, Children's Hospital of Eastern Ontario
Classification: Likely benign for Cardiomyopathy. Last evaluated: 2017-11-29. Review status: criteria provided, single submitter. Criteria: ACMG Guidelines, 2015. Collection method: clinical testing. Allele origin: germline.

GeneDx
Classification: Likely benign. Last evaluated: 2016-10-13. Review status: criteria provided, single submitter. Criteria: GeneDx Variant Classification (06012015). Collection method: clinical testing. Allele origin: germline. Affected: yes.
Comment: This variant is considered likely benign or benign based on one or more of the following criteria: it is a conservative change, it occurs at a poorly conserved position in the protein, it is predicted to be benign by multiple in silico algorithms, and/or has population frequency not consistent with disease.